The following is an entry in ClinVar:

NM_199242.3(UNC13D):c.3193C>T (p.Arg1065Ter)

Gene: UNC13D (unc-13 homolog D; minus strand). Cytogenetic location: 17q25.1.
Variant type: single nucleotide variant.
Coding change: c.3193C>T on transcript NM_199242.3 (MANE Select); coding-DNA position 3193, C replaced by T.
Protein change: p.Arg1065Ter; replaces arginine 1065 with a stop codon.
Molecular consequence: nonsense.
Genome position (GRCh38, 1-based): chr17:75,828,045, G>A on the plus strand (C>T on the coding strand, the complement: UNC13D is on the minus strand). VCF-style: chr17-75828045-G-A. GRCh37 (hg19) VCF-style: chr17-73824126-G-A.
Other names: short protein forms R1065*.
Identifiers: ClinVar variation 2736656 (VCV002736656.6), dbSNP rs774921373, ClinGen allele CA8772230.
Genomic context (GRCh38, chr17:75,828,045, plus strand): 5'-CATGCTGGGAGGCCTGCTTGGCCCGGTGCCGCCGCAGCCTCACAAAGACCTGGGCTTCTC[G>A]GTCACCCTTCCGGCCCTCCAGCAGCTGCAGGATTGGGTCCCCTGCGGAGAGAGGGGTTTG-3'

ClinVar aggregate classification (germline): Pathogenic. Review status: criteria provided, multiple submitters, no conflicts (2 of 4 stars). 2 submissions from 2 submitters: Pathogenic (2). Last evaluated 2025-02-21.

Conditions:
Familial hemophagocytic lymphohistiocytosis 3 (FHL3). Also called: UNC13D-Related Familial Hemophagocytic Lymphohistiocytosis (UNC13D-fHLH). Identifiers: Orphanet 540, MedGen C1837174, MONDO:0012146, OMIM 608898.

Allele frequency attached by ClinVar (database versions not stated): ExAC 0.00003.
gnomAD v4.1: 4 of 1,578,322 alleles (0.00025%); highest among the groups gnomAD compares: Admixed American, 0.0018%; no homozygotes.

Submissions (2):

Victorian Clinical Genetics Services, Murdoch Childrens Research Institute
Classification: Pathogenic for Familial hemophagocytic lymphohistiocytosis 3. Last evaluated: 2025-02-21. Review status: criteria provided, single submitter. Criteria: ACMG Guidelines, 2015. Collection method: clinical testing. Allele origin: germline.
Comment: This variant is classified as Pathogenic. Evidence in support of pathogenic classification: Variant is predicted to result in a truncated protein (premature termination codon is NOT located at least 54 nucleotides upstream of the final exon-exon junction) with less than 1/3 of the protein sequence affected; Variant is present in gnomAD <0.01 for a recessive condition (v4: 4 heterozygote(s), 0 homozygote(s)); This variant has strong previous evidence of pathogenicity in unrelated individuals. This variant has been reported in multiple unrelated individuals with familial hemophagocytic lymphohistiocytosis (PMID: 16278825, 21248318, 21653941, 29665027, 32542393); Another protein truncating variant comparable to the one identified in this case has limited previous evidence for pathogenicity. Another truncation variant downstream of this one has been reported as pathogenic (ClinVar). Additional information: This variant is heterozygous; This gene is associated with autosomal recessive disease; No published segregation evidence has been identified for this variant; No published functional evidence has been identified for this variant; Loss of function is a known mechanism of disease in this gene and is associated with familial hemophagocytic lymphohistiocytosis 3 (MIM#608898).

Labcorp Genetics (formerly Invitae), Labcorp
Classification: Pathogenic for Familial hemophagocytic lymphohistiocytosis 3. Last evaluated: 2024-01-16. Review status: criteria provided, single submitter. Criteria: Invitae Variant Classification Sherloc (09022015). Collection method: clinical testing. Allele origin: germline.
Comment: This sequence change creates a premature translational stop signal (p.Arg1065*) in the UNC13D gene. While this is not anticipated to result in nonsense mediated decay, it is expected to disrupt the last 26 amino acid(s) of the UNC13D protein. The frequency data for this variant in the population databases is considered unreliable, as metrics indicate poor data quality at this position in the gnomAD database. This premature translational stop signal has been observed in individuals with familial haemophagocytic lymphohistiocytosis (PMID: 16278825, 21248318, 32542393). For these reasons, this variant has been classified as Pathogenic.

Literature cited by the submitters: PubMed 32542393 (cited by Victorian Clinical Genetics Services, Murdoch Childrens Research Institute and Labcorp Genetics (formerly Invitae), Labcorp); PubMed 21248318 (cited by Victorian Clinical Genetics Services, Murdoch Childrens Research Institute and Labcorp Genetics (formerly Invitae), Labcorp); PubMed 29665027 (cited by Victorian Clinical Genetics Services, Murdoch Childrens Research Institute); PubMed 16278825 (cited by Victorian Clinical Genetics Services, Murdoch Childrens Research Institute and Labcorp Genetics (formerly Invitae), Labcorp); PubMed 21653941 (cited by Victorian Clinical Genetics Services, Murdoch Childrens Research Institute).